The following is an entry in ClinVar:

ClinVar aggregate classification (germline): Uncertain significance (1 of 4 stars; one submission).

Conditions:
Familial thoracic aortic aneurysm and aortic dissection (TAAD). Also called: Thoracic aortic aneurysms and dissections. Identifiers: Orphanet 91387, MedGen C4707243, MONDO:0019625.

gnomAD v4.1: 2 of 1,612,558 alleles (0.00012%); highest among the groups gnomAD compares: East Asian, 0.0022%; no homozygotes.

Submission:

Ambry Genetics
Classification: Uncertain significance for Familial thoracic aortic aneurysm and aortic dissection. Last evaluated: 2024-12-05. Review status: criteria provided, single submitter. Criteria: Ambry Variant Classification Scheme 2023. Collection method: clinical testing. Allele origin: germline.
Comment: The p.A213T variant (also known as c.637G>A), located in coding exon 6 of the PLOD1 gene, results from a G to A substitution at nucleotide position 637. The alanine at codon 213 is replaced by threonine, an amino acid with similar properties. This amino acid position is conserved. In addition, the in silico prediction for this alteration is inconclusive. Based on the available evidence, the clinical significance of this variant remains unclear.

NM_000302.4(PLOD1):c.637G>A (p.Ala213Thr)

Gene: PLOD1 (procollagen-lysine,2-oxoglutarate 5-dioxygenase 1; plus strand). Cytogenetic location: 1p36.22.
Variant type: single nucleotide variant.
Coding change: c.637G>A on transcript NM_000302.4 (MANE Select); coding-DNA position 637, G replaced by A.
Protein change: p.Ala213Thr; replaces alanine 213 with threonine.
Molecular consequence: missense variant.
Genome position (GRCh38, 1-based): chr1:11,954,887, G>A. VCF-style: chr1-11954887-G-A. GRCh37 (hg19) VCF-style: chr1-12014944-G-A.
Other names: c.778G>A, p.Ala260Thr (NM_001316320.2); short protein forms A260T, A213T.
Identifiers: ClinVar variation 3420953 (VCV003420953.1).